The following is an entry in ClinVar:

ClinVar aggregate classification (germline): not provided (0 of 4 stars; one submission).

Conditions:
Small for gestational age. Also called: Low birth weight. Identifiers: MedGen C0235991, HP:0001518.

Submission:

Institute of Molecular and Cell Biology, University of Tartu
No classification provided. Condition: Small for gestational age. Review status: no classification provided. Collection method: case-control. Allele origin: unknown. Affected: yes. Study: Kasak2014.
Comment: The study aimed to determine the contribution of copy number variants in the genetic etiology of normal and complicated pregnancies. The samples represented (i) maternal blood DNA drawn from healthy pregnant women during 1st or 2nd trimester and (ii) maternal and paternal blood DNA drawn at term pregnancy cases representing normal and complicated gestations (severe preeclampsia, PE; gestational diabetes, GD; small-for-gestational age newborn, SGA; large-for-gestational age newborn, LGA). We performed CNV calling based on genome-wide genotyping dataset (Illumina HumanOmniExpress-24-v1 BeadChip) by applying three algorithms, QuantiSNP, GADA (Genome Alteration Detection Algorithm) and CNstream in parallel. The acquired CNV calls were merged with HD-CNV (Hotspot Detector for Copy Number Variants) program and only the CNVs predicted by at least two programs, were considered in subsequent analysis.

Literature cited by the submitters: PubMed 25666259.

Single allele

Gene: LOC129390953 (MPRA-validated peak3042 silencer; plus strand). Cytogenetic location: 18p11.32.
Variant type: Deletion.
Identifiers: ClinVar variation 157407 (VCV000157407.2).